The following is an entry in ClinVar:

NM_021076.4(NEFH):c.1111C>G (p.Leu371Val)

Gene: NEFH (neurofilament heavy chain; plus strand). Cytogenetic location: 22q12.2.
Variant type: single nucleotide variant.
Coding change: c.1111C>G on transcript NM_021076.4 (MANE Select); coding-DNA position 1111, C replaced by G.
Protein change: p.Leu371Val; replaces leucine 371 with valine.
Molecular consequence: missense variant.
Genome position (GRCh38, 1-based): chr22:29,485,750, C>G. VCF-style: chr22-29485750-C-G. GRCh37 (hg19) VCF-style: chr22-29881739-C-G.
Other names: short protein forms L371V.
Identifiers: ClinVar variation 4724701 (VCV004724701.1).
Genomic context (GRCh38, chr22:29,485,750, plus strand): 5'-TGGCATGTGATGTGTGTCACCTCTCCTTCCCAGGAAGCCATTCAGCAGCTGGACGCTGAG[C>G]TGAGGAACACCAAGTGGGAGATGGCCGCCCAGCTGCGAGAATACCAGGACCTGCTCAATG-3'
Protein context (NP_066554.2, residues 361-381): QEAIQQLDAE[Leu371Val]RNTKWEMAAQ

ClinVar aggregate classification (germline): Uncertain significance (1 of 4 stars; one submission).

Submission:

Labcorp Genetics (formerly Invitae), Labcorp
Classification: Uncertain significance. Last evaluated: 2025-08-03. Review status: criteria provided, single submitter. Criteria: Invitae Variant Classification Sherloc (09022015). Collection method: clinical testing. Allele origin: germline.
Comment: This sequence change replaces leucine, which is neutral and non-polar, with valine, which is neutral and non-polar, at codon 371 of the NEFH protein (p.Leu371Val). This variant is not present in population databases (gnomAD no frequency). This variant has not been reported in the literature in individuals affected with NEFH-related conditions. Experimental studies and prediction algorithms are not available or were not evaluated, and the functional significance of this variant is currently unknown. In summary, the available evidence is currently insufficient to determine the role of this variant in disease. Therefore, it has been classified as a Variant of Uncertain Significance.